The following is an entry in ClinVar:

NM_032447.5(FBN3):c.2848G>A (p.Glu950Lys)

Gene: FBN3 (fibrillin 3; minus strand). Cytogenetic location: 19p13.2.
Variant type: single nucleotide variant.
Coding change: c.2848G>A on transcript NM_032447.5 (MANE Select); coding-DNA position 2848, G replaced by A.
Protein change: p.Glu950Lys; replaces glutamic acid 950 with lysine.
Molecular consequence: missense variant.
Genome position (GRCh38, 1-based): chr19:8,123,892, C>T on the plus strand (G>A on the coding strand, the complement: FBN3 is on the minus strand). VCF-style: chr19-8123892-C-T. GRCh37 (hg19) VCF-style: chr19-8188776-C-T.
Other names: c.2848G>A, p.Glu950Lys (NM_001321431.2); short protein forms E950K.
Identifiers: ClinVar variation 4667331 (VCV004667331.2).
Genomic context (GRCh38, chr19:8,123,892, plus strand): 5'-GCCCCCGCGGGCACAGGCTGGCGAACTCCAGAGACTCGGGATCCGGGCAGGCCTCGCACT[C>T]GACTCCCCACACGGCCCCGATGGAGCAGCAGCAGACGTCCATCCGGTACTTGCCAGGCAG-3'
Protein context (NP_115823.3, residues 940-960): CCSIGAVWGV[Glu950Lys]CEACPDPESL

ClinVar aggregate classification (germline): Uncertain significance. Review status: criteria provided, multiple submitters, no conflicts (2 of 4 stars). 2 submissions from 2 submitters: Uncertain significance (2). Last evaluated 2025-12-23.

Submissions (2):

Labcorp Genetics (formerly Invitae), Labcorp
Classification: Uncertain significance. Last evaluated: 2025-12-23. Review status: criteria provided, single submitter. Criteria: Invitae Variant Classification Sherloc (09022015). Collection method: clinical testing. Allele origin: germline.
Comment: This sequence change replaces glutamic acid, which is acidic and polar, with lysine, which is basic and polar, at codon 950 of the FBN3 protein (p.Glu950Lys). This variant is present in population databases (no rsID available, gnomAD 0.003%). This variant has not been reported in the literature in individuals affected with FBN3-related conditions. Invitae Evidence Modeling of protein sequence and biophysical properties (such as structural, functional, and spatial information, amino acid conservation, physicochemical variation, residue mobility, and thermodynamic stability) indicates that this missense variant is not expected to disrupt FBN3 protein function with a negative predictive value of 80%. In summary, the available evidence is currently insufficient to determine the role of this variant in disease. Therefore, it has been classified as a Variant of Uncertain Significance.

Ambry Genetics
Classification: Uncertain significance. Last evaluated: 2025-11-03. Review status: criteria provided, single submitter. Criteria: Ambry Variant Classification Scheme 2023. Collection method: clinical testing. Allele origin: germline.